The following is an entry in ClinVar:

ClinVar aggregate classification (germline): Uncertain significance (1 of 4 stars; one submission).

Conditions:
Cardiovascular phenotype. Identifiers: MedGen CN230736.

Allele frequency attached by ClinVar (database versions not stated): gnomAD 0.00001; TOPMed 0.00002.
gnomAD v4.1: 2 of 1,608,158 alleles (0.00012%); highest among the groups gnomAD compares: African/African-American, 0.0027%; no homozygotes.

Submission:

Ambry Genetics
Classification: Uncertain significance for Cardiovascular phenotype. Last evaluated: 2025-02-01. Review status: criteria provided, single submitter. Criteria: Ambry Variant Classification Scheme 2023. Collection method: clinical testing. Allele origin: germline.
Comment: The p.E1160G variant (also known as c.3479A>G), located in coding exon 16 of the MYPN gene, results from an A to G substitution at nucleotide position 3479. The glutamic acid at codon 1160 is replaced by glycine, an amino acid with similar properties. This amino acid position is well conserved in available vertebrate species. In addition, the in silico prediction for this alteration is inconclusive. Since supporting evidence is limited at this time, the clinical significance of this alteration remains unclear.

NM_032578.4(MYPN):c.3479A>G (p.Glu1160Gly)

Gene: MYPN (myopalladin; plus strand). Cytogenetic location: 10q21.3.
Variant type: single nucleotide variant.
Coding change: c.3479A>G on transcript NM_032578.4 (MANE Select); coding-DNA position 3479, A replaced by G.
Protein change: p.Glu1160Gly; replaces glutamic acid 1160 with glycine.
Molecular consequence: missense variant. On other transcripts: non-coding transcript variant (2).
Genome position (GRCh38, 1-based): chr10:68,199,561, A>G. VCF-style: chr10-68199561-A-G. GRCh37 (hg19) VCF-style: chr10-69959318-A-G.
Other names: c.3479A>G, p.Glu1160Gly (NM_001256267.2); c.2597A>G, p.Glu866Gly (NM_001256268.2); short protein forms E1160G, E866G.
Identifiers: ClinVar variation 1731810 (VCV001731810.3), dbSNP rs1199243918, ClinGen allele CA376859426.